The following is an entry in ClinVar:

NM_206933.4(USH2A):c.5751C>G (p.Tyr1917Ter)

Genes: USH2A (usherin; minus strand), USH2A-AS2 (USH2A antisense RNA 2; plus strand). Cytogenetic location: 1q41.
Variant type: single nucleotide variant.
Coding change: c.5751C>G on transcript NM_206933.4 (MANE Select); coding-DNA position 5751, C replaced by G.
Protein change: p.Tyr1917Ter; replaces tyrosine 1917 with a stop codon.
Molecular consequence: nonsense.
Genome position (GRCh38, 1-based): chr1:216,073,122, G>C on the plus strand (C>G on the coding strand, the complement: USH2A is on the minus strand). VCF-style: chr1-216073122-G-C. GRCh37 (hg19) VCF-style: chr1-216246464-G-C.
Other names: short protein forms Y1917*.
Identifiers: ClinVar variation 1457913 (VCV001457913.8), dbSNP rs145742052, ClinGen allele CA344854056.
Genomic context (GRCh38, chr1:216,073,122, plus strand): 5'-CATGTAACATTTAATTTAGAGGACCTCCACATTACCTGTAAAAGGCTGGAGACCACCCTC[G>C]TAAACACTCTGCTCTTTTCCCTGGTAAACCAGGATGGAGTCATTTCCCCTGCAGTTAACA-3'

ClinVar aggregate classification (germline): Pathogenic (1 of 4 stars; one submission).

gnomAD v4.1: 1 of 1,613,772 alleles (0.000062%); highest among the groups gnomAD compares: Non-Finnish European, 0.000085%; no homozygotes.

Submission:

Labcorp Genetics (formerly Invitae), Labcorp
Classification: Pathogenic. Last evaluated: 2021-03-08. Review status: criteria provided, single submitter. Criteria: Invitae Variant Classification Sherloc (09022015). Collection method: clinical testing. Allele origin: germline.
Comment: For these reasons, this variant has been classified as Pathogenic. This variant has been observed in individual(s) with Usher syndrome (PMID: 24944099). This sequence change creates a premature translational stop signal (p.Tyr1917*) in the USH2A gene. It is expected to result in an absent or disrupted protein product. Loss-of-function variants in USH2A are known to be pathogenic (PMID: 10729113, 10909849, 20507924, 25649381). This variant is not present in population databases (ExAC no frequency).

Literature cited by the submitters: PubMed 24944099; PubMed 10729113; PubMed 10909849; PubMed 20507924; PubMed 25649381.